The following is an entry in ClinVar:

ClinVar aggregate classification (germline): Uncertain significance (1 of 4 stars; one submission).

gnomAD v4.1: 2 of 1,612,522 alleles (0.00012%); highest among the groups gnomAD compares: Non-Finnish European, 0.00017%; no homozygotes.

Submission:

GeneDx
Classification: Uncertain significance. Last evaluated: 2023-05-25. Review status: criteria provided, single submitter. Criteria: GeneDx Variant Classification Process June 2021. Collection method: clinical testing. Allele origin: germline. Affected: yes.
Comment: Not observed at significant frequency in large population cohorts (gnomAD); In silico analysis supports that this missense variant has a deleterious effect on protein structure/function; Has not been previously published as pathogenic or benign to our knowledge

NM_017757.3(ZNF407):c.4475C>T (p.Thr1492Ile)

Gene: ZNF407 (zinc finger protein 407; plus strand). Cytogenetic location: 18q22.3.
Variant type: single nucleotide variant.
Coding change: c.4475C>T on transcript NM_017757.3 (MANE Select); coding-DNA position 4475, C replaced by T.
Protein change: p.Thr1492Ile; replaces threonine 1492 with isoleucine.
Molecular consequence: missense variant.
Genome position (GRCh38, 1-based): chr18:74,635,494, C>T. VCF-style: chr18-74635494-C-T. GRCh37 (hg19) VCF-style: chr18-72347450-C-T.
Other names: c.4475C>T, p.Thr1492Ile (NM_001146189.1, NM_001146190.1, NM_001384475.1); short protein forms T1492I.
Identifiers: ClinVar variation 3361941 (VCV003361941.1).